The following is an entry in ClinVar:

NM_003458.4(BSN):c.3470C>T (p.Thr1157Ile)

Gene: BSN (bassoon presynaptic cytomatrix protein; plus strand). Cytogenetic location: 3p21.31.
Variant type: single nucleotide variant.
Coding change: c.3470C>T on transcript NM_003458.4 (MANE Select); coding-DNA position 3470, C replaced by T.
Protein change: p.Thr1157Ile; replaces threonine 1157 with isoleucine.
Molecular consequence: missense variant.
Genome position (GRCh38, 1-based): chr3:49,653,026, C>T. VCF-style: chr3-49653026-C-T. GRCh37 (hg19) VCF-style: chr3-49690459-C-T.
Other names: short protein forms T1157I.
Identifiers: ClinVar variation 5009225 (VCV005009225.1).

ClinVar aggregate classification (germline): Uncertain significance (1 of 4 stars; one submission).

gnomAD v4.1: 2 of 1,613,560 alleles (0.00012%); highest among the groups gnomAD compares: South Asian, 0.0011%; no homozygotes.

Submission:

GeneDx
Classification: Uncertain significance. Last evaluated: 2026-03-14. Review status: criteria provided, single submitter. Criteria: GeneDx Variant Classification Process June 2021. Collection method: clinical testing. Allele origin: germline.
Comment: Not observed at significant frequency in large population cohorts (gnomAD); In silico analysis supports that this missense variant has a deleterious effect on protein structure/function; Has not been previously published as pathogenic or benign to our knowledge